The following is an entry in ClinVar:

ClinVar aggregate classification (germline): Uncertain significance (1 of 4 stars; one submission).

Submission:

Ambry Genetics
Classification: Uncertain significance. Last evaluated: 2022-07-10. Review status: criteria provided, single submitter. Criteria: Ambry Variant Classification Scheme 2023. Collection method: clinical testing. Allele origin: germline.
Comment: The p.I270V variant (also known as c.808A>G), located in coding exon 3 of the ALPK2 gene, results from an A to G substitution at nucleotide position 808. The isoleucine at codon 270 is replaced by valine, an amino acid with highly similar properties. This amino acid position is conserved. In addition, this alteration is predicted to be tolerated by in silico analysis. Since supporting evidence is limited at this time, the clinical significance of this alteration remains unclear.

NM_052947.4(ALPK2):c.808A>G (p.Ile270Val)

Genes: ALPK2 (alpha kinase 2; minus strand), LOC114803473 (ALPK2 eExon liver enhancer; plus strand). Cytogenetic location: 18q21.31.
Variant type: single nucleotide variant.
Coding change: c.808A>G on transcript NM_052947.4 (MANE Select); coding-DNA position 808, A replaced by G.
Protein change: p.Ile270Val; replaces isoleucine 270 with valine.
Molecular consequence: missense variant.
Genome position (GRCh38, 1-based): chr18:58,579,968, T>C on the plus strand (A>G on the coding strand, the complement: ALPK2 is on the minus strand). VCF-style: chr18-58579968-T-C. GRCh37 (hg19) VCF-style: chr18-56247200-T-C.
Other names: short protein forms I270V.
Identifiers: ClinVar variation 1761928 (VCV001761928.2), dbSNP rs2518899812, ClinGen allele CA402567162.